The following is an entry in ClinVar:

ClinVar aggregate classification (germline): Likely pathogenic (1 of 4 stars; one submission).

Conditions:
Complement component 4b deficiency. Identifiers: MedGen C5779962, MONDO:0013720, OMIM 614379.

Submission:

3billion
Classification: Likely pathogenic for Complement component 4b deficiency. Last evaluated: 2025-08-20. Review status: criteria provided, single submitter. Criteria: ACMG Guidelines, 2015. Collection method: clinical testing. Allele origin: germline. Affected: yes.
Comment: The variant is not observed in the gnomAD v4.1.0 dataset. Predicted Consequence/Location: Canonical splice site: predicted to alter splicing and result in a loss or disruption of normal protein function. Multiple pathogenic loss-of-function variants are reported downstream of the variant. In silico tools predict the variant to alter splicing and produce an abnormal transcript [SpliceAI: 0.99 (spliceogenicity >=0.2, non-spliceogenicity <0.1)]. Therefore, this variant is classified as Risk allele according to the recommendation of ACMG/AMP guideline.

NM_001002029.4(C4B):c.3230+1G>A

Gene: C4B (complement C4B (Chido/Rodgers blood group); plus strand). Cytogenetic location: 6p21.33.
Variant type: single nucleotide variant.
Coding change: c.3230+1G>A on transcript NM_001002029.4 (MANE Select); the canonical splice donor site of the intron after coding-DNA position 3230, G replaced by A.
Molecular consequence: splice donor variant.
Genome position (GRCh38, 1-based): chr6:32,028,533, G>A. VCF-style: chr6-32028533-G-A. GRCh37 (hg19) VCF-style: chr6-31996310-G-A.
Identifiers: ClinVar variation 4855175 (VCV004855175.1).
Genomic context (GRCh38, chr6:32,028,533, plus strand): 5'-GCAGTTTCGGAAGGCGGATGGTTCCTATGCGGCTTGGTTGTCACGGGGCAGCAGCACCTG[G>A]TGAGCTTGGGAGAGTGGTTCCAGGGTTCTGAGGGGGTCAGGGCTGGGGCAGGGGTGGGAC-3'